The following is an entry in ClinVar:

NM_017763.6(RNF43):c.770G>A (p.Gly257Asp)

Gene: RNF43 (ring finger protein 43; minus strand). Cytogenetic location: 17q22.
Variant type: single nucleotide variant.
Coding change: c.770G>A on transcript NM_017763.6 (MANE Select); coding-DNA position 770, G replaced by A.
Protein change: p.Gly257Asp; replaces glycine 257 with aspartic acid.
Molecular consequence: missense variant.
Genome position (GRCh38, 1-based): chr17:58,360,862, C>T on the plus strand (G>A on the coding strand, the complement: RNF43 is on the minus strand). VCF-style: chr17-58360862-C-T. GRCh37 (hg19) VCF-style: chr17-56438223-C-T.
Other names: c.770G>A, p.Gly257Asp (NM_001305544.3, NM_001438820.1, NM_001438821.1 and 1 more transcripts); c.389G>A, p.Gly130Asp (NM_001305545.2, NM_001437987.1); short protein forms G257D, G130D.
Identifiers: ClinVar variation 4155774 (VCV004155774.1).

ClinVar aggregate classification (germline): Uncertain significance (1 of 4 stars; one submission).

Submission:

Ambry Genetics
Classification: Uncertain significance. Last evaluated: 2025-08-09. Review status: criteria provided, single submitter. Criteria: Ambry Variant Classification Scheme 2023. Collection method: clinical testing. Allele origin: germline.
Comment: The p.G257D variant (also known as c.770G>A), located in coding exon 6 of the RNF43 gene, results from a G to A substitution at nucleotide position 770. The glycine at codon 257 is replaced by aspartic acid, an amino acid with similar properties. This amino acid position is conserved. In addition, this alteration is predicted to be tolerated by in silico analysis. Based on the available evidence, the clinical significance of this variant remains unclear.